The following is an entry in ClinVar:

NM_000018.4(ACADVL):c.467G>C (p.Cys156Ser)

Gene: ACADVL (acyl-CoA dehydrogenase very long chain; plus strand). Cytogenetic location: 17p13.1.
Variant type: single nucleotide variant.
Coding change: c.467G>C on transcript NM_000018.4 (MANE Select); coding-DNA position 467, G replaced by C.
Protein change: p.Cys156Ser; replaces cysteine 156 with serine.
Molecular consequence: missense variant.
Genome position (GRCh38, 1-based): chr17:7,221,048, G>C. VCF-style: chr17-7221048-G-C. GRCh37 (hg19) VCF-style: chr17-7124367-G-C.
Other names: c.401G>C, p.Cys134Ser (NM_001033859.3); c.536G>C, p.Cys179Ser (NM_001270447.2); c.239G>C, p.Cys80Ser (NM_001270448.2); short protein forms C156S, C80S, C179S, C134S.
Identifiers: ClinVar variation 932888 (VCV000932888.5), dbSNP rs139973845, ClinGen allele CA8337702.

ClinVar aggregate classification (germline): Uncertain significance. Review status: criteria provided, multiple submitters, no conflicts (2 of 4 stars). 2 submissions from 2 submitters: Uncertain significance (2). Last evaluated 2022-05-25.

Conditions:
Very long chain acyl-CoA dehydrogenase deficiency (ACADVLD). Also called: Very Long-Chain Acyl-Coenzyme A Dehydrogenase Deficiency; VLCAD Deficiency. Identifiers: Orphanet 26793, MedGen C3887523, MONDO:0008723, OMIM 201475.

Allele frequency attached by ClinVar (database versions not stated): gnomAD exomes 0.00003; TOPMed 0.00003; ExAC 0.00007; ESP Exome Variant Server 0.00008.
gnomAD v4.1: 19 of 1,613,710 alleles (0.0012%); highest among the groups gnomAD compares: Non-Finnish European, 0.0015%; no homozygotes.

Submissions (2):

Labcorp Genetics (formerly Invitae), Labcorp
Classification: Uncertain significance for Very long chain acyl-CoA dehydrogenase deficiency. Last evaluated: 2022-05-25. Review status: criteria provided, single submitter. Criteria: Invitae Variant Classification Sherloc (09022015). Collection method: clinical testing. Allele origin: germline.
Comment: This sequence change replaces cysteine, which is neutral and slightly polar, with serine, which is neutral and polar, at codon 156 of the ACADVL protein (p.Cys156Ser). This variant is present in population databases (rs139973845, gnomAD 0.007%). This variant has not been reported in the literature in individuals affected with ACADVL-related conditions. ClinVar contains an entry for this variant (Variation ID: 932888). Algorithms developed to predict the effect of missense changes on protein structure and function output the following: SIFT: "Tolerated"; PolyPhen-2: "Benign"; Align-GVGD: "Class C0". The serine amino acid residue is found in multiple mammalian species, which suggests that this missense change does not adversely affect protein function. In summary, the available evidence is currently insufficient to determine the role of this variant in disease. Therefore, it has been classified as a Variant of Uncertain Significance.

Wong Mito Lab, Molecular and Human Genetics, Baylor College of Medicine
Classification: Uncertain significance for Very long chain acyl-CoA dehydrogenase deficiency. Last evaluated: 2019-11-01. Review status: criteria provided, single submitter. Criteria: ACMG Guidelines, 2015. Collection method: clinical testing. Allele origin: germline.
Comment: The NM_000018.3:c.467G>C (NP_000009.1:p.Cys156Ser) [GRCH38: NC_000017.11:g.7221048G>C] variant in ACADVL gene is interpretated to be Uncertain Significance based on ACMG guidelines (PMID: 25741868). This variant has been reported. This variant meets the following evidence codes reported in the ACMG guidelines: BP4